The following is an entry in ClinVar:

NM_001377.3(DYNC2H1):c.3458+1G>A

Gene: DYNC2H1 (dynein cytoplasmic 2 heavy chain 1; plus strand). Cytogenetic location: 11q22.3.
Variant type: single nucleotide variant.
Coding change: c.3458+1G>A on transcript NM_001377.3 (MANE Select); the canonical splice donor site of the intron after coding-DNA position 3458, G replaced by A.
Molecular consequence: splice donor variant.
Genome position (GRCh38, 1-based): chr11:103,154,607, G>A. VCF-style: chr11-103154607-G-A. GRCh37 (hg19) VCF-style: chr11-103025336-G-A.
Other names: c.3458+1G>A (NM_001080463.2).
Identifiers: ClinVar variation 2700865 (VCV002700865.3), dbSNP rs2497047845, ClinGen allele CA382273245.

ClinVar aggregate classification (germline): Likely pathogenic (1 of 4 stars; one submission).

Conditions:
Jeune thoracic dystrophy. Also called: Short-rib thoracic dysplasia; Jeune syndrome; Infantile thoracic dystrophy; Thoracic pelvic phalangeal dystrophy; Jeune's syndrome; Chondroectodermal dysplasia-like syndrome. Identifiers: Orphanet 474, MedGen C0265275, MONDO:0018770.

Submission:

Labcorp Genetics (formerly Invitae), Labcorp
Classification: Likely pathogenic for Jeune thoracic dystrophy. Last evaluated: 2023-12-04. Review status: criteria provided, single submitter. Criteria: Invitae Variant Classification Sherloc (09022015). Collection method: clinical testing. Allele origin: germline.
Comment: This sequence change affects a donor splice site in intron 23 of the DYNC2H1 gene. It is expected to disrupt RNA splicing. Variants that disrupt the donor or acceptor splice site typically lead to a loss of protein function (PMID: 16199547), and loss-of-function variants in DYNC2H1 are known to be pathogenic (PMID: 23339108, 32753734, 33755199). This variant is not present in population databases (gnomAD no frequency). This variant has not been reported in the literature in individuals affected with DYNC2H1-related conditions. Algorithms developed to predict the effect of sequence changes on RNA splicing suggest that this variant may disrupt the consensus splice site. In summary, the currently available evidence indicates that the variant is pathogenic, but additional data are needed to prove that conclusively. Therefore, this variant has been classified as Likely Pathogenic.

Literature cited by the submitters: PubMed 16199547; PubMed 23339108; PubMed 32753734; PubMed 33755199.